The following is an entry in ClinVar:

NM_053281.3(DACH2):c.945A>G (p.Pro315=)

Gene: DACH2 (dachshund family transcription factor 2; plus strand). Cytogenetic location: Xq21.2.
Variant type: single nucleotide variant.
Coding change: c.945A>G on transcript NM_053281.3 (MANE Select); coding-DNA position 945, A replaced by G.
Protein change: p.Pro315=; no amino-acid change (proline 315 retained).
Molecular consequence: synonymous variant.
Genome position (GRCh38, 1-based): chrX:86,714,561, A>G. VCF-style: chrX-86714561-A-G. GRCh37 (hg19) VCF-style: chrX-85969564-A-G.
Other names: c.906A>G, p.Pro302= (NM_001139514.1); c.444A>G, p.Pro148= (NM_001139515.1).
Identifiers: ClinVar variation 2661010 (VCV002661010.24), dbSNP rs766248312, ClinGen allele CA10465899.

ClinVar aggregate classification (germline): Likely benign (1 of 4 stars; one submission).

Allele frequency attached by ClinVar (database versions not stated): gnomAD 0.00001; ExAC 0.00002; gnomAD exomes 0.00002; TOPMed 0.00002.
gnomAD v4.1: 21 of 1,201,647 alleles (0.0017%); highest among the groups gnomAD compares: Non-Finnish European, 0.0022%; no homozygotes.

Submission:

CeGaT Center for Human Genetics Tuebingen
Classification: Likely benign. Last evaluated: 2023-03-01. Review status: criteria provided, single submitter. Criteria: CeGaT Center For Human Genetics Tuebingen Variant Classification Criteria Version 2. Collection method: clinical testing. Allele origin: germline. Affected: yes. Observed: 1 variant allele.
Comment: DACH2: BP4, BP7